The following is an entry in ClinVar:

ClinVar aggregate classification (germline): Pathogenic. Review status: reviewed by expert panel (3 of 4 stars). 9 submissions from 9 submitters: Pathogenic (1). 8 of the submissions do not count toward it. Last evaluated 2023-11-14.

Conditions:
RAG1-related disorder. Also called: RAG1-related condition; RAG1-related disorders.
Recombinase activating gene 1 deficiency. Identifiers: MedGen CN375631, MONDO:0000572.
Severe combined immunodeficiency, autosomal recessive, T cell-negative, B cell-negative, NK cell-positive. Also called: SCID, T CELL-NEGATIVE, B CELL-NEGATIVE, NK CELL-POSITIVE; SCID, AR, T-cell negative, B-cell negative, NK cell-positive; Severe combined immunodeficiency due to complete RAG1/2 deficiency. Identifiers: Orphanet 331206, MedGen C1832322, MONDO:0011086, OMIM 601457.
Combined immunodeficiency with skin granulomas. Identifiers: Orphanet 157949, MedGen C2673536, MONDO:0009306, OMIM 233650.
Combined immunodeficiency due to partial RAG1 deficiency. Identifiers: Orphanet 231154, MedGen C1835931, MONDO:0012359, OMIM 609889.
Histiocytic medullary reticulosis. Also called: SEVERE COMBINED IMMUNODEFICIENCY WITH HYPEREOSINOPHILIA; Omenn syndrome. Identifiers: Orphanet 39041, MedGen C2700553, MONDO:0011338, OMIM 603554.

Allele frequency attached by ClinVar (database versions not stated): gnomAD exomes below 0.00001; TOPMed below 0.00001.

Submissions (9):

ClinGen Severe Combined Immunodeficiency Variant Curation Expert Panel, ClinGen
Classification: Pathogenic for Recombinase activating gene 1 deficiency. Last evaluated: 2023-11-14. Review status: reviewed by expert panel. Criteria: ClinGen SCID ACMG Specifications RAG1 V1.0.0. Collection method: curation. Allele origin: germline. Inheritance: Autosomal recessive inheritance.
Comment: The nonsense variant NM_000448.3(RAG1):c.775del (p.Ser259AlafsTer5) occurs in exon 2 of 2 (the only coding exon of RAG1) and is not predicted to result in nonsense mediated decay but does truncate 75% of the protein, including the entirety of the core domain (amino acids 387-1011) which is critical to protein function (PMID: 26996199; PVS1). This variant is absent from gnomADv2.1.1 (PM2_Supporting). It has been reported homozygous in one patient with Omenn syndrome (PM3_supporting) with insufficient information to determine that the patient's phenotype is highly specific to recombinase activating gene 1 deficiency (PP4_NotMet). In summary, this variant meets the criteria to be classified as pathogenic for recombinase activating gene 1 deficiency based on the ACMG/AMP criteria applied, as specified by the ClinGen SCID VCEP. Criteria applied: PVS1, PM3_Supporting, and PM2_Supporting. (VCEP specifications version 1).

PreventionGenetics, part of Exact Sciences
Classification: Pathogenic for RAG1-related condition. Last evaluated: 2026-07-06. Review status: criteria provided, single submitter. Criteria: ACMG Guidelines, 2015. Collection method: clinical testing. Allele origin: germline. Not counted in ClinVar's aggregate classification.
Comment: The RAG1 c.775delA variant is predicted to result in a frameshift and premature protein termination (p.Ser259Alafs*5). This variant was reported in the homozygous state in an individual with features consistent with severe combined immunodeficiency (Dobbs et al. 2017. PubMed ID: 28769923). This variant has not been reported in a large population database (gnomAD) and has been classified as pathogenic by the ClinGen Severe Combined Immunodeficiency Variant Curation Expert Panel (Variation ID: 235411). Frameshift variants in RAG1 are expected to be pathogenic. This variant is interpreted as pathogenic

Labcorp Genetics (formerly Invitae), Labcorp
Classification: Pathogenic for Combined immunodeficiency with skin granulomas; Severe combined immunodeficiency, autosomal recessive, T cell-negative, B cell-negative, NK cell-positive. Last evaluated: 2024-10-17. Review status: criteria provided, single submitter. Criteria: Invitae Variant Classification Sherloc (09022015). Collection method: clinical testing. Allele origin: germline. Not counted in ClinVar's aggregate classification.
Comment: This sequence change creates a premature translational stop signal (p.Ser259Alafs*5) in the RAG1 gene. While this is not anticipated to result in nonsense mediated decay, it is expected to disrupt the last 785 amino acid(s) of the RAG1 protein. This variant is not present in population databases (gnomAD no frequency). This premature translational stop signal has been observed in individuals with Omenn syndrome (PMID: 11121059, 16960852, 28769923). This variant is also known as g.887delA. ClinVar contains an entry for this variant (Variation ID: 235411). Algorithms developed to predict the effect of variants on gene product structure and function are not available or were not evaluated for this variant. Experimental studies have shown that this premature translational stop signal affects RAG1 function (PMID: 11121059). This variant disrupts a region of the RAG1 protein in which other variant(s) (p.W959*) have been determined to be pathogenic (PMID: 11133745, 24290284, 24406074). This suggests that this is a clinically significant region of the protein, and that variants that disrupt it are likely to be disease-causing. For these reasons, this variant has been classified as Pathogenic.

Fulgent Genetics
Classification: Pathogenic for Combined immunodeficiency with skin granulomas; Severe combined immunodeficiency, autosomal recessive, T cell-negative, B cell-negative, NK cell-positive; Histiocytic medullary reticulosis; Combined immunodeficiency due to partial RAG1 deficiency. Last evaluated: 2024-05-04. Review status: criteria provided, single submitter. Criteria: ACMG Guidelines, 2015. Collection method: clinical testing. Allele origin: germline. Not counted in ClinVar's aggregate classification.

Baylor Genetics
Classification: Pathogenic for Combined immunodeficiency due to partial RAG1 deficiency. Last evaluated: 2024-03-17. Review status: criteria provided, single submitter. Criteria: ACMG Guidelines, 2015. Collection method: clinical testing. Allele origin: unknown. Not counted in ClinVar's aggregate classification.

Women's Health and Genetics/Laboratory Corporation of America, LabCorp
Classification: Pathogenic for Histiocytic medullary reticulosis. Last evaluated: 2020-04-01. Review status: criteria provided, single submitter. Criteria: LabCorp Variant Classification Summary - May 2015. Collection method: clinical testing. Allele origin: germline. Not counted in ClinVar's aggregate classification.
Comment: Variant summary: RAG1 c.775delA (p.Ser259AlafsX5) results in a premature termination codon, predicted to cause a truncation of the encoded protein or absence of the protein due to nonsense mediated decay, which are commonly known mechanisms for disease. Truncations downstream of this position have been classified as pathogenic by our laboratory. The variant was absent in 250934 control chromosomes (gnomAD). c.775delA has been reported in the literature in individuals affected with Omenn Syndrome (examples- Santagata_2000, Sobacchi_2006, Dobbs_2017). These data indicate that the variant is likely to be associated with disease. At least one publication reports experimental evidence evaluating an impact on protein function, indicating that the variant results in reduced levels of V(D)J recombination and reduced nuclear localization of the protein (Santagata_2000). Two clinical diagnostic laboratories have submitted clinical-significance assessments for this variant to ClinVar after 2014 without evidence for independent evaluation. Both laboratories classified the variant as pathogenic. Based on the evidence outlined above, the variant was classified as pathogenic.

GeneDx
Classification: Pathogenic. Last evaluated: 2018-07-16. Review status: criteria provided, single submitter. Criteria: GeneDx Variant Classification (06012015). Collection method: clinical testing. Allele origin: germline. Affected: yes. Not counted in ClinVar's aggregate classification.
Comment: The c.775delA variant has been reported previously in association with Omenn syndrome (Santagata et al., 2000; Sobacchi et al., 2006). The deletion causes a frameshift starting with codon Serine 259, changes this amino acid to an Alanine residue and creates a premature Stop codon at position 5 of the new reading frame, denoted p.Ser259AlafsX5. Functional studies have shown this variant results in decreased activity of the RAG1 protein and interferes with proper protein localization (Santagata et al., 2000). The variant is not observed in large population cohorts (Lek et al., 2016; 1000 Genomes Consortium et al., 2015; Exome Variant Server). In summary, we consider this variant to be pathogenic.

Center for Pediatric Genomic Medicine, Children's Mercy Hospital and Clinics
Classification: Pathogenic. Last evaluated: 2016-02-17. Review status: criteria provided, single submitter. Criteria: ACMG Guidelines, 2015. Collection method: clinical testing. Allele origin: germline. Not counted in ClinVar's aggregate classification.

OMIM
Classification: Pathogenic for OMENN SYNDROME. Last evaluated: 2000-12-19. Review status: no assertion criteria provided. Collection method: literature only. Allele origin: germline. Not counted in ClinVar's aggregate classification.

Literature cited by the submitters: PubMed 11121059 (cited by 3 submitters); PubMed 16960852 (cited by Labcorp Genetics (formerly Invitae), Labcorp and Women's Health and Genetics/Laboratory Corporation of America, LabCorp); PubMed 28769923 (cited by Labcorp Genetics (formerly Invitae), Labcorp and Women's Health and Genetics/Laboratory Corporation of America, LabCorp); PubMed 11133745 (cited by Labcorp Genetics (formerly Invitae), Labcorp); PubMed 24290284 (cited by Labcorp Genetics (formerly Invitae), Labcorp); PubMed 24406074 (cited by Labcorp Genetics (formerly Invitae), Labcorp); PubMed 25976673 (cited by Women's Health and Genetics/Laboratory Corporation of America, LabCorp).

NM_000448.3(RAG1):c.775del (p.Ser259fs)

Gene: RAG1 (recombination activating 1; plus strand). Cytogenetic location: 11p12.
Variant type: Deletion.
Coding change: c.775del on transcript NM_000448.3 (MANE Select); coding-DNA position 775, one base deleted (A; older notation c.775delA).
Protein change: p.Ser259fs; shifts the reading frame from serine 259.
Molecular consequence: frameshift variant.
Genome position (GRCh38, 1-based): chr11:36,574,079, A deleted. VCF-style (leftmost placement, unchanged base first): chr11-36574078-CA-C. GRCh37 (hg19) VCF-style: chr11-36595628-CA-C.
Other names: NM_000448.3(RAG1):c.775del; p.Ser259fs; c.775delA (NM_000448.2); c.775del, p.Ser259fs (NM_001377277.1, NM_001377278.1, NM_001377279.1 and 1 more transcripts); short protein forms S259fs.
Identifiers: ClinVar variation 235411 (VCV000235411.15), dbSNP rs878853031, ClinGen allele CA10581303.
Genomic context (GRCh38, chr11:36,574,078, plus strand): 5'-TGTGCTTGACCAAGCAAGACAAGCCCGTCAGCACAAGAGAAGAGCTCAGGCAAGGATCAG[CA>C]GCAAGGATGTCATGAAGAAGATCGCCAACTGCAGTAAGATACATCTTAGTACCAAGCTCC-3'